The following is an entry in ClinVar:

ClinVar aggregate classification (germline): Uncertain significance (1 of 4 stars; one submission).

Allele frequency attached by ClinVar (database versions not stated): TOPMed 0.00005; ESP Exome Variant Server 0.00008; ExAC 0.00017.
gnomAD v4.1: 95 of 1,613,172 alleles (0.0059%); highest among the groups gnomAD compares: Admixed American, 0.025%; 1 homozygote.

Submission:

Labcorp Genetics (formerly Invitae), Labcorp
Classification: Uncertain significance. Last evaluated: 2024-12-16. Review status: criteria provided, single submitter. Criteria: Invitae Variant Classification Sherloc (09022015). Collection method: clinical testing. Allele origin: germline.
Comment: This sequence change affects codon 1800 of the FBN3 mRNA. It is a 'silent' change, meaning that it does not change the encoded amino acid sequence of the FBN3 protein. This variant is present in population databases (rs200406590, gnomAD 0.04%). This variant has not been reported in the literature in individuals affected with FBN3-related conditions. ClinVar contains an entry for this variant (Variation ID: 2899398). Algorithms developed to predict the effect of sequence changes on RNA splicing suggest that this variant may disrupt the consensus splice site. In summary, the available evidence is currently insufficient to determine the role of this variant in disease. Therefore, it has been classified as a Variant of Uncertain Significance.

NM_032447.5(FBN3):c.5400C>T (p.Gly1800=)

Gene: FBN3 (fibrillin 3; minus strand). Cytogenetic location: 19p13.2.
Variant type: single nucleotide variant.
Coding change: c.5400C>T on transcript NM_032447.5 (MANE Select); coding-DNA position 5400, C replaced by T.
Protein change: p.Gly1800=; no amino-acid change (glycine 1800 retained).
Molecular consequence: synonymous variant.
Genome position (GRCh38, 1-based): chr19:8,096,894, G>A on the plus strand (C>T on the coding strand, the complement: FBN3 is on the minus strand). VCF-style: chr19-8096894-G-A. GRCh37 (hg19) VCF-style: chr19-8161778-G-A.
Other names: c.5400C>T, p.Gly1800= (NM_001321431.2).
Identifiers: ClinVar variation 2899398 (VCV002899398.3), dbSNP rs200406590, ClinGen allele CA9151677.